The following is an entry in ClinVar:

ClinVar aggregate classification (germline): Conflicting classifications of pathogenicity. Review status: criteria provided, conflicting classifications (1 of 4 stars). 9 submissions from 9 submitters: Uncertain significance (5); Likely benign (4). Last evaluated 2026-01-31.

Conditions:
Hereditary cancer-predisposing syndrome. Also called: Tumor predisposition; Hereditary neoplastic syndrome; Neoplastic Syndromes, Hereditary; Hereditary Cancer Syndrome. Identifiers: Orphanet 140162, MedGen C0027672, MeSH D009386, MONDO:0015356.
Gastric cancer. Also called: Stomach cancer; Malignant tumor of stomach. Identifiers: MedGen C0024623, MeSH D013274, MONDO:0001056, OMIM 613659, HP:0012126.
Colorectal cancer. Also called: Colorectal cancer, somatic; Malignant Colorectal Neoplasm. Identifiers: MedGen C0346629, MONDO:0005575, OMIM 114500.
Familial adenomatous polyposis 1 (FAP1). Also called: FAMILIAL ADENOMATOUS POLYPOSIS 1, ATTENUATED; POLYPOSIS, ADENOMATOUS INTESTINAL. Identifiers: MedGen C2713442, MONDO:0021056, OMIM 175100. Disease mechanism: loss of function.
Hepatocellular carcinoma (HCC). Also called: Primary carcinoma of liver; HEPATOMA; LIVER CELL CARCINOMA. Identifiers: Orphanet 88673, MedGen C2239176, MONDO:0007256, OMIM 114550, HP:0001402.
Desmoid disease, hereditary (DESMD). Also called: FIBROMATOSIS, FAMILIAL INFILTRATIVE. Identifiers: Orphanet 873, MedGen C1851124, OMIM 135290. Disease mechanism: loss of function.
Gastric adenocarcinoma and proximal polyposis of the stomach (GAPPS). Also called: Polyposis, gastric, Dos Santos and de Magalhaes 1980; POLYPOSIS, GASTRIC; Gastric Adenocarcinoma and Proximal Polyposis of the Stomach (GAPPS). Identifiers: Orphanet 314022, MedGen C4749917, MONDO:0017790, OMIM 619182.
Classic or attenuated familial adenomatous polyposis. Identifiers: MedGen CN372698, MONDO:0021057.

Allele frequency attached by ClinVar (database versions not stated): gnomAD exomes 0.00001 and 0.00004; gnomAD 0.00005 and 0.00006; ExAC 0.00007; TOPMed 0.00008; ESP Exome Variant Server 0.00015.
gnomAD v4.1: 26 of 1,613,884 alleles (0.0016%); highest among the groups gnomAD compares: African/African-American, 0.0093%; no homozygotes.

Submissions (9):

Labcorp Genetics (formerly Invitae), Labcorp
Classification: Uncertain significance for Familial adenomatous polyposis 1. Last evaluated: 2026-01-31. Review status: criteria provided, single submitter. Criteria: Invitae Variant Classification Sherloc (09022015). Collection method: clinical testing. Allele origin: germline.
Comment: This sequence change replaces lysine, which is basic and polar, with arginine, which is basic and polar, at codon 398 of the APC protein (p.Lys398Arg). This variant is present in population databases (rs145912662, gnomAD 0.01%). This variant has not been reported in the literature in individuals affected with APC-related conditions. ClinVar contains an entry for this variant (Variation ID: 469700). Invitae Evidence Modeling of protein sequence and biophysical properties (such as structural, functional, and spatial information, amino acid conservation, physicochemical variation, residue mobility, and thermodynamic stability) indicates that this missense variant is not expected to disrupt APC protein function with a negative predictive value of 95%. In summary, the available evidence is currently insufficient to determine the role of this variant in disease. Therefore, it has been classified as a Variant of Uncertain Significance.

GeneDx
Classification: Uncertain significance. Last evaluated: 2025-11-14. Review status: criteria provided, single submitter. Criteria: GeneDx Variant Classification Process June 2021. Collection method: clinical testing. Allele origin: germline.
Comment: In silico analysis indicates that this missense variant does not alter protein structure/function; This variant is associated with the following publications: (PMID: 29684080, 28944238)

Color Diagnostics, LLC DBA Color Health
Classification: Likely benign for Hereditary cancer-predisposing syndrome. Last evaluated: 2025-09-03. Review status: criteria provided, single submitter. Criteria: ACMG Guidelines, 2015. Collection method: clinical testing. Allele origin: germline.

Quest Diagnostics Nichols Institute San Juan Capistrano
Classification: Likely benign. Last evaluated: 2025-04-28. Review status: criteria provided, single submitter. Criteria: Quest Diagnostics criteria. Collection method: clinical testing. Allele origin: unknown.

Center for Genomic Medicine, Rigshospitalet, Copenhagen University Hospital
Classification: Likely benign. Last evaluated: 2025-03-04. Review status: criteria provided, single submitter. Criteria: ACMG Guidelines, 2015. Collection method: clinical testing. Allele origin: germline.

Fulgent Genetics
Classification: Uncertain significance for Colorectal cancer; Hepatocellular carcinoma; Desmoid disease, hereditary; Familial adenomatous polyposis 1; Gastric cancer; Gastric adenocarcinoma and proximal polyposis of the stomach. Last evaluated: 2024-06-19. Review status: criteria provided, single submitter. Criteria: ACMG Guidelines, 2015. Collection method: clinical testing. Allele origin: germline.

Women's Health and Genetics/Laboratory Corporation of America, LabCorp
Classification: Uncertain significance. Last evaluated: 2024-01-24. Review status: criteria provided, single submitter. Criteria: LabCorp Variant Classification Summary - May 2015. Collection method: clinical testing. Allele origin: germline.
Comment: Variant summary: APC c.1193A>G (p.Lys398Arg) results in a conservative amino acid change in the encoded protein sequence. Four of five in-silico tools predict a benign effect of the variant on protein function. The variant allele was found at a frequency of 4e-05 in 250522 control chromosomes. This frequency is not significantly higher than estimated for a pathogenic variant in APC causing Familial Adenomatous Polyposis (4e-05 vs 7.1e-05), allowing no conclusion about variant significance. To our knowledge, no occurrence of c.1193A>G in individuals affected with Familial Adenomatous Polyposis and no experimental evidence demonstrating its impact on protein function have been reported. At least one co-occurrences with other pathogenic variant(s) has been observed at our laboratory (BRCA2 c.5946delT , p.Ser1982ArgfsX22), providing supporting evidence for a benign role. ClinVar contains an entry for this variant (Variation ID: 469700). Based on the evidence outlined above, the variant was classified as uncertain significance.

All of Us Research Program, National Institutes of Health
Classification: Uncertain significance for Classic or attenuated familial adenomatous polyposis. Last evaluated: 2023-12-18. Review status: criteria provided, single submitter. Criteria: ACMG Guidelines, 2015. Collection method: clinical testing. Allele origin: germline. Inheritance: Autosomal dominant inheritance. Observed: 7 variant alleles, 7 heterozygotes.
Comment: This missense variant replaces lysine with arginine at codon 398 of the APC protein. Computational prediction tools and conservation analyses are inconclusive regarding the impact of this variant on protein structure and function. Splice site prediction tools suggest that this variant may not impact RNA splicing. To our knowledge, functional studies have not been performed for this variant. This variant has not been reported in individuals affected with hereditary cancer in the literature. This variant has been identified in 11/281926 chromosomes in the general population by the Genome Aggregation Database (gnomAD). The available evidence is insufficient to determine the role of this variant in disease conclusively. Therefore, this variant is classified as a Variant of Uncertain Significance.

This study involves interpretation of variants in research participants for the purpose of population health screening. Participant phenotype was not available at the time of variant classification. Additional details can be found in publication PMID: 35346344, PMCID: PMC8962531

Ambry Genetics
Classification: Likely benign for Hereditary cancer-predisposing syndrome. Last evaluated: 2023-01-12. Review status: criteria provided, single submitter. Criteria: Ambry Variant Classification Scheme 2023. Collection method: clinical testing. Allele origin: germline.

Literature cited by the submitters: PubMed 28944238 (cited by Quest Diagnostics Nichols Institute San Juan Capistrano and Ambry Genetics).

NM_000038.6(APC):c.1193A>G (p.Lys398Arg)

Gene: APC (APC regulator of Wnt signaling pathway; plus strand). Cytogenetic location: 5q22.2.
Variant type: single nucleotide variant.
Coding change: c.1193A>G on transcript NM_000038.6 (MANE Select); coding-DNA position 1193, A replaced by G.
Protein change: p.Lys398Arg; replaces lysine 398 with arginine.
Molecular consequence: missense variant. On other transcripts: intron variant (4).
Genome position (GRCh38, 1-based): chr5:112,819,225, A>G. VCF-style: chr5-112819225-A-G. GRCh37 (hg19) VCF-style: chr5-112154922-A-G.
Other names: c.1193A>G, p.Lys398Arg (NM_001127510.3, NM_001354895.2, NM_001354896.2); c.1139A>G, p.Lys380Arg (NM_001127511.3); c.1223A>G, p.Lys408Arg (NM_001354897.2); c.1118A>G, p.Lys373Arg (NM_001354898.2); c.1109A>G, p.Lys370Arg (NM_001354899.2); c.1016A>G, p.Lys339Arg (NM_001354900.2, NM_001354901.2); c.344A>G, p.Lys115Arg (NM_001354906.2); c.964-44A>G (NM_001354902.2); and 3 more; short protein forms K380R, K398R, K115R, K339R, K408R, K370R, K373R.
Identifiers: ClinVar variation 469700 (VCV000469700.32), dbSNP rs145912662, ClinGen allele CA026866.